The following is an entry in ClinVar:

NM_178857.6(RP1L1):c.163C>T (p.Gln55Ter)

Gene: RP1L1 (RP1 like 1). Cytogenetic location: 8p23.1.
Variant type: single nucleotide variant.
Coding change: c.163C>T on transcript NM_178857.6 (MANE Select); coding-DNA position 163, C replaced by T.
Protein change: p.Gln55Ter; replaces glutamine 55 with a stop codon.
Molecular consequence: nonsense.
Genome position (GRCh38, 1-based): chr8:10,623,039, G>A on the plus strand (C>T on the coding strand, the complement: RP1L1 is on the minus strand). VCF-style: chr8-10623039-G-A. GRCh37 (hg19) VCF-style: chr8-10480549-G-A.
Other names: short protein forms Q55*.
Identifiers: ClinVar variation 2416742 (VCV002416742.7), dbSNP rs975447221, ClinGen allele CA171954981.

ClinVar aggregate classification (germline): Conflicting classifications of pathogenicity. Review status: criteria provided, conflicting classifications (1 of 4 stars). 2 submissions from 2 submitters: Likely pathogenic (1); Uncertain significance (1). Last evaluated 2025-09-20.

Conditions:
RP1L1-related disorder. Also called: RP1L1-related condition.

Allele frequency attached by ClinVar (database versions not stated): gnomAD exomes below 0.00001; TOPMed below 0.00001; gnomAD 0.00001.

Submissions (2):

Labcorp Genetics (formerly Invitae), Labcorp
Classification: Uncertain significance. Last evaluated: 2025-09-20. Review status: criteria provided, single submitter. Criteria: Invitae Variant Classification Sherloc (09022015). Collection method: clinical testing. Allele origin: germline.
Comment: This sequence change creates a premature translational stop signal (p.Gln55*) in the RP1L1 gene. It is expected to result in an absent or disrupted protein product. However, the current clinical and genetic evidence is not sufficient to establish whether loss-of-function variants in RP1L1 cause disease. This variant is present in population databases (no rsID available, gnomAD 0.0009%). This variant has not been reported in the literature in individuals affected with RP1L1-related conditions. ClinVar contains an entry for this variant (Variation ID: 2416742). In summary, the available evidence is currently insufficient to determine the role of this variant in disease. Therefore, it has been classified as a Variant of Uncertain Significance.

Blueprint Genetics
Classification: Likely pathogenic for RP1L1-related disorders. Last evaluated: 2022-09-09. Review status: criteria provided, single submitter. Criteria: ACMG Guidelines, 2015. Collection method: clinical testing. Allele origin: germline. Affected: yes. Observed: 1 variant allele.